The following is an entry in ClinVar:

NM_001394966.1(NEK10):c.2232G>A (p.Ala744=)

Gene: NEK10 (NIMA related kinase 10; minus strand). Cytogenetic location: 3p24.1.
Variant type: single nucleotide variant.
Coding change: c.2232G>A on transcript NM_001394966.1 (MANE Select); coding-DNA position 2232, G replaced by A.
Protein change: p.Ala744=; no amino-acid change (alanine 744 retained).
Molecular consequence: synonymous variant. On other transcripts: intron variant (1).
Genome position (GRCh38, 1-based): chr3:27,201,569, C>T on the plus strand (G>A on the coding strand, the complement: NEK10 is on the minus strand). VCF-style: chr3-27201569-C-T. GRCh37 (hg19) VCF-style: chr3-27243060-C-T.
Other names: c.168G>A, p.Ala56= (NM_001031741.5, NM_001304384.3); c.2232G>A, p.Ala744= (NM_001394963.1, NM_001394965.1, NM_001394970.1 and 2 more transcripts); c.2145G>A, p.Ala715= (NM_001394964.1, NM_001394967.1); c.2115G>A, p.Ala705= (NM_001394968.1); c.2004-9327G>A (NM_001394969.1).
Identifiers: ClinVar variation 4984046 (VCV004984046.1).

ClinVar aggregate classification (germline): Likely benign (1 of 4 stars; one submission).

Conditions:
NEK10-related disorder. Also called: NEK10-related condition.

gnomAD v4.1: 360 of 1,613,376 alleles (0.022%); highest among the groups gnomAD compares: African/African-American, 0.2%; no homozygotes.

Submission:

PreventionGenetics, part of Exact Sciences
Classification: Likely benign for NEK10-related condition. Last evaluated: 2026-08-11. Review status: criteria provided, single submitter. Criteria: ACMG Guidelines, 2015. Collection method: clinical testing. Allele origin: germline.
Comment: This variant is classified as likely benign based on ACMG/AMP sequence variant interpretation guidelines (Richards et al. 2015 PMID: 25741868, with internal and published modifications).